The following is an entry in ClinVar:

ClinVar aggregate classification (germline): Pathogenic/Likely pathogenic. Review status: criteria provided, multiple submitters, no conflicts (2 of 4 stars). 6 submissions from 6 submitters: Pathogenic (3); Likely pathogenic (3). Last evaluated 2025-10-01.

Conditions:
Retinitis pigmentosa 25 (RP25). Identifiers: Orphanet 791, MedGen C1864446, MONDO:0011272, OMIM 602772.

Allele frequency attached by ClinVar (database versions not stated): gnomAD exomes below 0.00001; TOPMed 0.00002; gnomAD 0.00001.
gnomAD v4.1: 3 of 1,551,248 alleles (0.00019%); highest among the groups gnomAD compares: Admixed American, 0.0039%; no homozygotes.

Submissions (6):

Natera, Inc.
Classification: Likely pathogenic for Retinitis pigmentosa type 25. Last evaluated: 2025-10-01. Review status: criteria provided, single submitter. Criteria: Natera Variant Classification Schema (03/2026). Collection method: clinical testing. Allele origin: germline.
Comment: The c.4651G>T variant in EYS is a nonsense variant predicted to introduce a stop codon at amino acid 1551. This variant is expected to result in nonsense mediated decay, truncation, or a dysfunctional protein product. This variant is rare in the general population with a frequency below the threshold expected for the associated phenotype(s). Given the available evidence, this variant is classified as Likely Pathogenic.

Labcorp Genetics (formerly Invitae), Labcorp
Classification: Pathogenic. Last evaluated: 2024-09-18. Review status: criteria provided, single submitter. Criteria: Invitae Variant Classification Sherloc (09022015). Collection method: clinical testing. Allele origin: germline.
Comment: This sequence change creates a premature translational stop signal (p.Glu1551*) in the EYS gene. It is expected to result in an absent or disrupted protein product. Loss-of-function variants in EYS are known to be pathogenic (PMID: 18836446, 20333770). This variant is not present in population databases (gnomAD no frequency). This variant has not been reported in the literature in individuals affected with EYS-related conditions. ClinVar contains an entry for this variant (Variation ID: 802235). For these reasons, this variant has been classified as Pathogenic.

Revvity Omics, Revvity
Classification: Likely pathogenic for Retinitis pigmentosa 25. Last evaluated: 2024-09-02. Review status: criteria provided, single submitter. Criteria: ACMG Guidelines, 2015. Collection method: clinical testing. Allele origin: germline.

Baylor Genetics
Classification: Likely pathogenic for Retinitis pigmentosa 25. Last evaluated: 2024-01-24. Review status: criteria provided, single submitter. Criteria: ACMG Guidelines, 2015. Collection method: clinical testing. Allele origin: unknown.

DBGen Ocular Genomics
Classification: Pathogenic for Retinitis pigmentosa 25. Last evaluated: 2021-06-11. Review status: criteria provided, single submitter. Criteria: ACMG Guidelines, 2015. Collection method: clinical testing. Allele origin: germline. Affected: yes. Observed: 1 variant allele.

Mendelics
Classification: Pathogenic for Retinitis pigmentosa 25. Last evaluated: 2019-05-28. Review status: criteria provided, single submitter. Criteria: Mendelics Assertion Criteria 2017. Collection method: clinical testing. Allele origin: unknown.

Literature cited by the submitters: PubMed 18836446 (cited by Labcorp Genetics (formerly Invitae), Labcorp); PubMed 20333770 (cited by Labcorp Genetics (formerly Invitae), Labcorp).

NM_001142800.2(EYS):c.4651G>T (p.Glu1551Ter)

Gene: EYS (EGF-like photoreceptor maintenance factor; minus strand). Cytogenetic location: 6q12.
Variant type: single nucleotide variant.
Coding change: c.4651G>T on transcript NM_001142800.2 (MANE Select); coding-DNA position 4651, G replaced by T.
Protein change: p.Glu1551Ter; replaces glutamic acid 1551 with a stop codon.
Molecular consequence: nonsense.
Genome position (GRCh38, 1-based): chr6:64,591,216, C>A on the plus strand (G>T on the coding strand, the complement: EYS is on the minus strand). VCF-style: chr6-64591216-C-A. GRCh37 (hg19) VCF-style: chr6-65301109-C-A.
Other names: c.4651G>T, p.Glu1551Ter (NM_001292009.2); c.4651G>T (NM_001142800.1); short protein forms E1551*.
Identifiers: ClinVar variation 802235 (VCV000802235.16), dbSNP rs1305702728, ClinGen allele CA364782851.